The following is an entry in ClinVar:

NM_001953.5(TYMP):c.261G>T (p.Glu87Asp)

Genes: TYMP (thymidine phosphorylase; minus strand), LOC130067864 (ATAC-STARR-seq lymphoblastoid active region 19325; plus strand). Cytogenetic location: 22q13.33.
Variant type: single nucleotide variant.
Coding change: c.261G>T on transcript NM_001953.5 (MANE Select); coding-DNA position 261, G replaced by T.
Protein change: p.Glu87Asp; replaces glutamic acid 87 with aspartic acid.
Molecular consequence: missense variant.
Genome position (GRCh38, 1-based): chr22:50,529,292, C>A on the plus strand (G>T on the coding strand, the complement: TYMP is on the minus strand). VCF-style: chr22-50529292-C-A. GRCh37 (hg19) VCF-style: chr22-50967721-C-A.
Other names: Glu>Asp; c.261G>T, p.Glu87Asp (LRG_727t1, LRG_727t2, NM_001113755.3 and 3 more transcripts); short protein forms E87D.
Identifiers: ClinVar variation 223021 (VCV000223021.2), dbSNP rs749827433, ClinGen allele CA16616773.

ClinVar aggregate classification (germline): Likely pathogenic. Review status: criteria provided, single submitter (1 of 4 stars). 2 submissions from 2 submitters: Likely pathogenic (1). 1 of the submissions does not count toward it. Last evaluated 2024-12-19.

Conditions:
Mitochondrial neurogastrointestinal encephalomyopathy. Also called: Mitochondrial neurogastrointestinal encephalopathy syndrome; MNGIE syndrome; Thymidine phosphorylase deficiency. Identifiers: Orphanet 298, MedGen C0872218, MONDO:0017575.
Mitochondrial DNA depletion syndrome 1. Also called: Mitochondrial neurogastrointestinal encephalomyopathy syndrome; Mitochondrial DNA Depletion Syndrome, MNGIE Form; Mitochondrial DNA depletion syndrome 1 (MNGIE type); Mitochondrial Neurogastrointestinal Encephalopathy Disease; MITOCHONDRIAL NEUROGASTROINTESTINAL ENCEPHALOPATHY SYNDROME, TYMP-RELATED; MNGIE, TYMP-RELATED. Identifiers: Orphanet 298, MedGen C4551995, MONDO:0011283, OMIM 603041.

Submissions (2):

Natera, Inc.
Classification: Likely pathogenic for Mitochondrial neurogastrointestinal encephalomyopathy. Last evaluated: 2024-12-19. Review status: criteria provided, single submitter. Criteria: Natera Variant Classification Schema (03/2026). Collection method: clinical testing. Allele origin: germline.
Comment: The c.261G>T variant in TYMP is a missense variant predicted to cause substitution of glutamic acid to aspartic acid at amino acid 87. This variant is rare in the general population with a frequency below the threshold expected for the associated phenotype(s). This variant has been observed in one or more individuals affected with the associated recessive disease, as either homozygous or compound heterozygous with a second variant (PMID: 23838601, 19368660). Computational prediction algorithms indicate this variant is likely to affect gene or protein function. Given the available evidence, this variant is classified as Likely Pathogenic.

GeneReviews
Classification: Pathogenic for Mitochondrial DNA depletion syndrome 1. Last evaluated: 2016-01-14. Review status: no assertion criteria provided. Collection method: literature only. Allele origin: germline. Affected: yes. Not counted in ClinVar's aggregate classification.

Literature cited by the submitters: PubMed 23838601 (cited by Natera, Inc.); PubMed 19368660 (cited by Natera, Inc.); PubMed 15781193 (cited by GeneReviews).